The following is an entry in ClinVar:

NM_002936.6(RNASEH1):c.244+6C>T

Gene: RNASEH1 (ribonuclease H1; minus strand). Cytogenetic location: 2p25.3.
Variant type: single nucleotide variant.
Coding change: c.244+6C>T on transcript NM_002936.6 (MANE Select); 6 bases into the intron after coding-DNA position 244, C replaced by T.
Molecular consequence: intron variant.
Genome position (GRCh38, 1-based): chr2:3,556,783, G>A on the plus strand (C>T on the coding strand, the complement: RNASEH1 is on the minus strand). VCF-style: chr2-3556783-G-A. GRCh37 (hg19) VCF-style: chr2-3604373-G-A.
Other names: c.244+6C>T (NM_001378272.1, NM_001378273.1, NM_001378271.1); c.166+6C>T (NM_001286834.3); c.-108+6C>T (NM_001286837.3).
Identifiers: ClinVar variation 2002009 (VCV002002009.4), dbSNP rs2528128244, ClinGen allele CA2580066124.
Genomic context (GRCh38, chr2:3,556,783, plus strand): 5'-ATGCCATCTGGCATATGAAAGCCTTTGAATAGGTTAAAATGTCACACTGATATGAGAGGT[G>A]ACTACCTTCTGAAACTTCCGGGCTTGCAGATTTCCTGACAAAGGCCCAGGCCTCATCCTC-3'

ClinVar aggregate classification (germline): Uncertain significance (1 of 4 stars; one submission).

Submission:

Labcorp Genetics (formerly Invitae), Labcorp
Classification: Uncertain significance. Last evaluated: 2024-02-24. Review status: criteria provided, single submitter. Criteria: Invitae Variant Classification Sherloc (09022015). Collection method: clinical testing. Allele origin: germline.
Comment: This sequence change falls in intron 2 of the RNASEH1 gene. It does not directly change the encoded amino acid sequence of the RNASEH1 protein. It affects a nucleotide within the consensus splice site. This variant is not present in population databases (gnomAD no frequency). This variant has not been reported in the literature in individuals affected with RNASEH1-related conditions. ClinVar contains an entry for this variant (Variation ID: 2002009). Variants that disrupt the consensus splice site are a relatively common cause of aberrant splicing (PMID: 17576681, 9536098). Algorithms developed to predict the effect of sequence changes on RNA splicing suggest that this variant is not likely to affect RNA splicing. In summary, the available evidence is currently insufficient to determine the role of this variant in disease. Therefore, it has been classified as a Variant of Uncertain Significance.

Literature cited by the submitters: PubMed 17576681; PubMed 9536098.